The following is an entry in ClinVar:

ClinVar aggregate classification (germline): Uncertain significance (1 of 4 stars; one submission).

Conditions:
Rhabdoid tumor predisposition syndrome 2 (RTPS2). Identifiers: Orphanet 231108, Orphanet 69077, MedGen C2750074, MONDO:0013224, OMIM 613325.

Submission:

Labcorp Genetics (formerly Invitae), Labcorp
Classification: Uncertain significance for Rhabdoid tumor predisposition syndrome 2. Last evaluated: 2025-07-29. Review status: criteria provided, single submitter. Criteria: Invitae Variant Classification Sherloc (09022015). Collection method: clinical testing. Allele origin: germline.
Comment: This sequence change replaces proline, which is neutral and non-polar, with leucine, which is neutral and non-polar, at codon 238 of the SMARCA4 protein (p.Pro238Leu). This variant is not present in population databases (gnomAD no frequency). This variant has not been reported in the literature in individuals affected with SMARCA4-related conditions. ClinVar contains an entry for this variant (Variation ID: 3631495). Invitae Evidence Modeling of protein sequence and biophysical properties (such as structural, functional, and spatial information, amino acid conservation, physicochemical variation, residue mobility, and thermodynamic stability) indicates that this missense variant is not expected to disrupt SMARCA4 protein function with a negative predictive value of 95%. In summary, the available evidence is currently insufficient to determine the role of this variant in disease. Therefore, it has been classified as a Variant of Uncertain Significance.

NM_003072.5(SMARCA4):c.713C>T (p.Pro238Leu)

Gene: SMARCA4 (SWI/SNF related BAF chromatin remodeling complex subunit ATPase 4; plus strand). Cytogenetic location: 19p13.2.
Variant type: single nucleotide variant.
Coding change: c.713C>T on transcript NM_003072.5 (MANE Select); coding-DNA position 713, C replaced by T.
Protein change: p.Pro238Leu; replaces proline 238 with leucine.
Molecular consequence: missense variant. On other transcripts: non-coding transcript variant (1).
Genome position (GRCh38, 1-based): chr19:10,986,546, C>T. VCF-style: chr19-10986546-C-T. GRCh37 (hg19) VCF-style: chr19-11097222-C-T.
Other names: c.713C>T, p.Pro238Leu (NM_001128844.3, NM_001128845.2, NM_001128846.2 and 6 more transcripts); short protein forms P238L.
Identifiers: ClinVar variation 3631495 (VCV003631495.2).
Genomic context (GRCh38, chr19:10,986,546, plus strand): 5'-CAACGCTACCTCCACCCTCGGTGTCCGCAACAGGACCCGGCCCTGGCCCTGGCCCTGGCC[C>T]CGGCCCGGGTCCCGGCCCGGCACCTCCAAATTACAGCAGGCCTCATGGTAAGACTGGCTG-3'
Protein context (NP_003063.2, residues 228-248): TGPGPGPGPG[Pro238Leu]GPGPGPAPPN